The following is an entry in ClinVar:

ClinVar aggregate classification (germline): Benign. Review status: criteria provided, multiple submitters, no conflicts (2 of 4 stars). 7 submissions from 7 submitters: Benign (5). 2 of the submissions do not count toward it. Last evaluated 2026-02-04.

Conditions:
RYR1-related disorder. Also called: RYR1-related disorders; RYR1-related condition. Identifiers: MedGen CN239331.

Allele frequency attached by ClinVar (database versions not stated): ESP Exome Variant Server 0.01169; gnomAD 0.02140 and 0.02279; gnomAD exomes 0.02258 and 0.03436; TOPMed 0.02387; 1000 Genomes Project 0.03514; 1000 Genomes Project 30x 0.03576; ExAC 0.03797.

Submissions (15):

Labcorp Genetics (formerly Invitae), Labcorp
Classification: Benign for RYR1-related disorder. Last evaluated: 2026-02-04. Review status: criteria provided, single submitter. Criteria: Invitae Variant Classification Sherloc (09022015). Collection method: clinical testing. Allele origin: germline.

PreventionGenetics, part of Exact Sciences
Classification: Benign. Last evaluated: 2018-03-06. Review status: criteria provided, single submitter. Criteria: ACMG Guidelines, 2015. Collection method: clinical testing. Allele origin: germline.

GeneDx
Classification: Benign. Last evaluated: 2016-02-17. Review status: criteria provided, single submitter. Criteria: GeneDx Variant Classification (06012015). Collection method: clinical testing. Allele origin: germline. Affected: yes.
Comment: This variant is considered likely benign or benign based on one or more of the following criteria: it is a conservative change, it occurs at a poorly conserved position in the protein, it is predicted to be benign by multiple in silico algorithms, and/or has population frequency not consistent with disease.

Eurofins Ntd Llc (ga)
Classification: Benign. Last evaluated: 2014-04-22. Review status: criteria provided, single submitter. Criteria: EGL Classification Definitions 2015. Collection method: clinical testing. Allele origin: germline. Observed: 2 variant alleles, 2 heterozygotes.

Breakthrough Genomics
Classification: Benign. Review status: criteria provided, single submitter. Criteria: ACMG Guidelines, 2015. Collection method: not provided. Allele origin: germline. Inheritance: Autosomal recessive inheritance. Affected: yes.

Dr. Peter K. Rogan Lab, Western University
No classification provided (evidence only). Condition: Acute myeloid leukemia. Review status: no classification provided. Collection method: in vitro. Allele origin: not applicable. Functional consequence: retained intron. Not counted in ClinVar's aggregate classification.

Dr. Peter K. Rogan Lab, Western University
No classification provided (evidence only). Condition: Acute myeloid leukemia. Review status: no classification provided. Collection method: in vitro. Allele origin: not applicable. Functional consequence: retained intron. Not counted in ClinVar's aggregate classification.

Dr. Peter K. Rogan Lab, Western University
No classification provided (evidence only). Condition: Cervical cancer. Review status: no classification provided. Collection method: in vitro. Allele origin: not applicable. Functional consequence: retained intron. Not counted in ClinVar's aggregate classification.

Dr. Peter K. Rogan Lab, Western University
No classification provided (evidence only). Condition: Cervical cancer. Review status: no classification provided. Collection method: in vitro. Allele origin: not applicable. Functional consequence: retained intron. Not counted in ClinVar's aggregate classification.

Dr. Peter K. Rogan Lab, Western University
No classification provided (evidence only). Condition: Sarcoma. Review status: no classification provided. Collection method: in vitro. Allele origin: not applicable. Functional consequence: retained intron. Not counted in ClinVar's aggregate classification.

Dr. Peter K. Rogan Lab, Western University
No classification provided (evidence only). Condition: Malignant lymphoma, large B-cell, diffuse. Review status: no classification provided. Collection method: in vitro. Allele origin: not applicable. Functional consequence: retained intron. Not counted in ClinVar's aggregate classification.

Dr. Peter K. Rogan Lab, Western University
No classification provided (evidence only). Condition: Thymoma. Review status: no classification provided. Collection method: in vitro. Allele origin: not applicable. Functional consequence: retained intron. Not counted in ClinVar's aggregate classification.

Dr. Peter K. Rogan Lab, Western University
No classification provided (evidence only). Condition: Malignant tumor of esophagus. Review status: no classification provided. Collection method: in vitro. Allele origin: not applicable. Functional consequence: retained intron. Not counted in ClinVar's aggregate classification.

Joint Genome Diagnostic Labs from Nijmegen and Maastricht, Radboudumc and MUMC+
Classification: Benign. Review status: no assertion criteria provided. Collection method: clinical testing. Allele origin: germline. Affected: yes. Study: VKGL Data-share Consensus. Not counted in ClinVar's aggregate classification.

Laboratory of Diagnostic Genome Analysis, Leiden University Medical Center (LUMC)
Classification: Likely benign. Review status: no assertion criteria provided. Collection method: clinical testing. Allele origin: germline. Affected: yes. Study: VKGL Data-share Consensus. Not counted in ClinVar's aggregate classification.

NM_000540.3(RYR1):c.11260-19T>G

Gene: RYR1 (ryanodine receptor 1; plus strand). Cytogenetic location: 19q13.2.
Variant type: single nucleotide variant.
Coding change: c.11260-19T>G on transcript NM_000540.3 (MANE Select); 19 bases into the intron before coding-DNA position 11260, T replaced by G.
Molecular consequence: intron variant.
Genome position (GRCh38, 1-based): chr19:38,534,701, T>G. VCF-style: chr19-38534701-T-G. GRCh37 (hg19) VCF-style: chr19-39025341-T-G.
Other names: c.11245-19T>G (NM_001042723.2).
Identifiers: ClinVar variation 167623 (VCV000167623.18), dbSNP rs4802583, ClinGen allele CA023905.